The following is an entry in ClinVar:

ClinVar aggregate classification (germline): Pathogenic (1 of 4 stars; one submission).

Submission:

Labcorp Genetics (formerly Invitae), Labcorp
Classification: Pathogenic. Last evaluated: 2023-09-12. Review status: criteria provided, single submitter. Criteria: Invitae Variant Classification Sherloc (09022015). Collection method: clinical testing. Allele origin: germline.
Comment: For these reasons, this variant has been classified as Pathogenic. This variant has not been reported in the literature in individuals affected with TPO-related conditions. This variant is not present in population databases (gnomAD no frequency). This sequence change creates a premature translational stop signal (p.Phe200Serfs*9) in the TPO gene. It is expected to result in an absent or disrupted protein product. Loss-of-function variants in TPO are known to be pathogenic (PMID: 11061528, 23236987, 25564141).

Literature cited by the submitters: PubMed 11061528; PubMed 23236987; PubMed 25564141.

NM_001206744.2(TPO):c.597del (p.Phe200fs)

Gene: TPO (thyroid peroxidase; plus strand). Cytogenetic location: 2p25.3.
Variant type: Deletion.
Coding change: c.597del on transcript NM_001206744.2 (MANE Select); coding-DNA position 597, one base deleted (G; older notation c.597delG).
Protein change: p.Phe200fs; shifts the reading frame from phenylalanine 200.
Molecular consequence: frameshift variant.
Genome position (GRCh38, 1-based): chr2:1,453,808, G deleted; the last of 3 consecutive G bases (chr2:1,453,806-1,453,808); deleting any one gives the same sequence. VCF-style (leftmost placement, unchanged base first): chr2-1453805-CG-C. GRCh37 (hg19) VCF-style: chr2-1457577-CG-C.
Other names: c.597del, p.Phe200fs (NM_000547.6, NM_001206745.2, NM_175719.4 and 2 more transcripts); short protein forms F200fs.
Identifiers: ClinVar variation 2852236 (VCV002852236.3), dbSNP rs2545970508, ClinGen allele CA2576683616.